The following is an entry in ClinVar:

ClinVar aggregate classification (germline): Uncertain significance (1 of 4 stars; one submission).

Conditions:
Primary ciliary dyskinesia. Also called: Ciliary dyskinesia. Identifiers: Orphanet 244, MedGen C0008780, MONDO:0016575, HP:0012265.

Allele frequency attached by ClinVar (database versions not stated): ESP Exome Variant Server 0.00008.
gnomAD v4.1: 9 of 1,581,276 alleles (0.00057%); highest among the groups gnomAD compares: Non-Finnish European, 0.00077%; no homozygotes.

Submission:

Labcorp Genetics (formerly Invitae), Labcorp
Classification: Uncertain significance for Primary ciliary dyskinesia. Last evaluated: 2022-10-21. Review status: criteria provided, single submitter. Criteria: Invitae Variant Classification Sherloc (09022015). Collection method: clinical testing. Allele origin: germline.
Comment: Advanced modeling of protein sequence and biophysical properties (such as structural, functional, and spatial information, amino acid conservation, physicochemical variation, residue mobility, and thermodynamic stability) performed at Invitae indicates that this missense variant is not expected to disrupt DNAH11 protein function. In summary, the available evidence is currently insufficient to determine the role of this variant in disease. Therefore, it has been classified as a Variant of Uncertain Significance. This variant has not been reported in the literature in individuals affected with DNAH11-related conditions. This variant is not present in population databases (gnomAD no frequency). This sequence change replaces threonine, which is neutral and polar, with serine, which is neutral and polar, at codon 3912 of the DNAH11 protein (p.Thr3912Ser).

NM_001277115.2(DNAH11):c.11735C>G (p.Thr3912Ser)

Gene: DNAH11 (dynein axonemal heavy chain 11; plus strand). Cytogenetic location: 7p15.3.
Variant type: single nucleotide variant.
Coding change: c.11735C>G on transcript NM_001277115.2 (MANE Select); coding-DNA position 11735, C replaced by G.
Protein change: p.Thr3912Ser; replaces threonine 3912 with serine.
Molecular consequence: missense variant.
Genome position (GRCh38, 1-based): chr7:21,867,903, C>G. VCF-style: chr7-21867903-C-G. GRCh37 (hg19) VCF-style: chr7-21907521-C-G.
Other names: c.11756C>G, p.Thr3919Ser (NM_003777.3); short protein forms T3912S, T3919S.
Identifiers: ClinVar variation 2899392 (VCV002899392.3), dbSNP rs372135937, ClinGen allele CA4182859.